The following is an entry in ClinVar:

NM_172107.4(KCNQ2):c.338C>T (p.Ser113Phe)

Gene: KCNQ2 (potassium voltage-gated channel subfamily Q member 2; minus strand). Cytogenetic location: 20q13.33.
Variant type: single nucleotide variant.
Coding change: c.338C>T on transcript NM_172107.4 (MANE Select); coding-DNA position 338, C replaced by T.
Protein change: p.Ser113Phe; replaces serine 113 with phenylalanine.
Molecular consequence: missense variant.
Genome position (GRCh38, 1-based): chr20:63,446,796, G>A on the plus strand (C>T on the coding strand, the complement: KCNQ2 is on the minus strand). VCF-style: chr20-63446796-G-A. GRCh37 (hg19) VCF-style: chr20-62078149-G-A.
Other names: p.S113F:TCC>TTC; c.338C>T, p.Ser113Phe (NM_004518.6, NM_172106.3, NM_172108.5 and 1 more transcripts); short protein forms S113F.
Identifiers: ClinVar variation 205862 (VCV000205862.16), dbSNP rs796052616, ClinGen allele CA315349.

ClinVar aggregate classification (germline): Conflicting classifications of pathogenicity. Review status: criteria provided, conflicting classifications (1 of 4 stars). 3 submissions from 3 submitters: Likely pathogenic (2); Uncertain significance (1). Last evaluated 2023-09-16.

Conditions:
Early-infantile DEE. Also called: Ohtahara syndrome; Early infantile epileptic encephalopathy; Early infantile epileptic encephalopathy with suppression bursts. Identifiers: Orphanet 1934, MedGen C0393706, MONDO:0800491.
KCNQ2-Related Disorders. Also called: KCNQ2-related condition; KCNQ2-related disorder. Identifiers: MedGen CN169299.

Submissions (9):

Blueprint Genetics
Classification: Likely pathogenic for KCNQ2-related disorders. Last evaluated: 2023-09-16. Review status: criteria provided, single submitter. Criteria: ACMG Guidelines, 2015. Collection method: clinical testing. Allele origin: germline. Affected: yes. Observed: 1 variant allele.

Labcorp Genetics (formerly Invitae), Labcorp
Classification: Uncertain significance for Early-infantile DEE. Last evaluated: 2019-12-04. Review status: criteria provided, single submitter. Criteria: Invitae Variant Classification Sherloc (09022015). Collection method: clinical testing. Allele origin: germline.
Comment: In summary, the available evidence is currently insufficient to determine the role of this variant in disease. Therefore, it has been classified as a Variant of Uncertain Significance. Algorithms developed to predict the effect of missense changes on protein structure and function are either unavailable or do not agree on the potential impact of this missense change (SIFT: "Deleterious"; PolyPhen-2: "Possibly Damaging"; Align-GVGD: "Class C15"). This variant has been observed in individual(s) with epilepsy and/or neurodevelopmental disorders (PMID: 29655203). ClinVar contains an entry for this variant (Variation ID: 205862). This variant is not present in population databases (ExAC no frequency). This sequence change replaces serine with phenylalanine at codon 113 of the KCNQ2 protein (p.Ser113Phe). The serine residue is highly conserved and there is a large physicochemical difference between serine and phenylalanine.

GeneDx
Classification: Likely pathogenic. Last evaluated: 2013-06-20. Review status: criteria provided, single submitter. Criteria: GeneDx Variant Classification (06012015). Collection method: clinical testing. Allele origin: germline. Affected: yes.
Comment: p.Ser113Phe (TCC>TTC): c.338 C>T in exon 2 of the KCNQ2 gene (NM_172107.2)The Ser113Phe missense change has not been published as a mutation, nor has it been reported as a benign polymorphism to our knowledge. It was not observed in approximately 6,500 individuals of European and African American ancestry in the NHLBI Exome Sequencing Project, indicating it is not a common benign variant in these populations. The amino acid substitution is non-conservative as a polar Serine residue is replaced by a non-polar Phenylalanine residue. Ser113Phe alters a conserved position in the KCNQ2 protein and another missense mutation at a nearby codon has been previously reported in association with epileptic encephalopathy ( Saitsu et al., 2012). In addition, several in-silico algorithms predict Ser113Phe may be damaging to the structure/function of the protein. Therefore, based on the currently available information, Ser113Phe is a strong candidate for a disease-causing mutation, although the possibility that it is a benign variant cannot be excluded. The variant is found in EPILEPSY panel(s).

Channelopathy-Associated Epilepsy Research Center
No classification provided (evidence only). Condition: Complex neurodevelopmental disorder. Review status: no classification provided. Collection method: literature only. Allele origin: not applicable. Functional consequence: Mild decrease in peak current, Severe slowing of activation, Severe depolarizing shift of voltage dependence of activation. Not counted in ClinVar's aggregate classification.
ClinVar note: "not provided" was previously submitted as the classification for the variant. However, the classification appeared to be based only on an observation of functional data so it was converted to no classification on 2025-07-30.

Channelopathy-Associated Epilepsy Research Center
No classification provided (evidence only). Review status: no classification provided. Collection method: in vitro. Allele origin: not applicable. Functional consequence: Normal peak current. Not counted in ClinVar's aggregate classification.

Channelopathy-Associated Epilepsy Research Center
No classification provided (evidence only). Review status: no classification provided. Collection method: in vitro. Allele origin: not applicable. Functional consequence: Normal peak current. Not counted in ClinVar's aggregate classification.

Channelopathy-Associated Epilepsy Research Center
No classification provided (evidence only). Review status: no classification provided. Collection method: in vitro. Allele origin: not applicable. Functional consequence: Depolarizing shift of voltage dependence of activation. Not counted in ClinVar's aggregate classification.

Channelopathy-Associated Epilepsy Research Center
No classification provided (evidence only). Review status: no classification provided. Collection method: in vitro. Allele origin: not applicable. Functional consequence: Increase in slope of activation. Not counted in ClinVar's aggregate classification.

Channelopathy-Associated Epilepsy Research Center
No classification provided (evidence only). Review status: no classification provided. Collection method: in vitro. Allele origin: not applicable. Functional consequence: Slowing of activation. Not counted in ClinVar's aggregate classification.

Literature cited by the submitters: PubMed 29655203 (cited by Labcorp Genetics (formerly Invitae), Labcorp); PubMed 35104249 (cited by Channelopathy-Associated Epilepsy Research Center).